The following is an entry in ClinVar:

ClinVar aggregate classification (germline): Uncertain significance (1 of 4 stars; one submission).

Submission:

GeneDx
Classification: Uncertain significance. Last evaluated: 2019-10-16. Review status: criteria provided, single submitter. Criteria: GeneDx Variant Classification Process June 2021. Collection method: clinical testing. Allele origin: germline. Affected: yes.
Comment: Not observed in large population cohorts (Lek et al., 2016); In silico analysis, which includes protein predictors and evolutionary conservation, supports that this variant does not alter protein structure/function; Has not been previously published as pathogenic or benign to our knowledge

NM_001478.5(B4GALNT1):c.1291G>A (p.Val431Ile)

Gene: B4GALNT1 (beta-1,4-N-acetyl-galactosaminyltransferase 1; minus strand). Cytogenetic location: 12q13.3.
Variant type: single nucleotide variant.
Coding change: c.1291G>A on transcript NM_001478.5 (MANE Select); coding-DNA position 1291, G replaced by A.
Protein change: p.Val431Ile; replaces valine 431 with isoleucine.
Molecular consequence: missense variant.
Genome position (GRCh38, 1-based): chr12:57,627,711, C>T on the plus strand (G>A on the coding strand, the complement: B4GALNT1 is on the minus strand). VCF-style: chr12-57627711-C-T. GRCh37 (hg19) VCF-style: chr12-58021494-C-T.
Other names: c.1126G>A, p.Val376Ile (NM_001276468.2); short protein forms V376I, V431I.
Identifiers: ClinVar variation 1308878 (VCV001308878.2), dbSNP rs2140242763, ClinGen allele CA385494375.
Genomic context (GRCh38, chr12:57,627,711, plus strand): 5'-AACCGACCTCGCGCACCTTGTCAGTCCGCGCCAGGAAGAAGTTAACCACGCCGTCGGTGA[C>T]CACGCAGCCTGGGAAGCCGACGAGCTCGTGGTGGAAGCCGCGCCTTTGCCGGAGGCAGTT-3'
Protein context (NP_001469.1, residues 421-441): HELVGFPGCV[Val431Ile]TDGVVNFFLA